The following is an entry in ClinVar:

ClinVar aggregate classification (germline): Likely pathogenic (1 of 4 stars; one submission).

Conditions:
Farber lipogranulomatosis (FRBRL). Also called: AC DEFICIENCY; ACID CERAMIDASE DEFICIENCY; CERAMIDASE DEFICIENCY; N-LAURYLSPHINGOSINE DEACYLASE DEFICIENCY; Farber's disease; Farber disease. Identifiers: Orphanet 333, MedGen C0268255, MONDO:0009218, OMIM 228000.

Submission:

MVZ Medizinische Genetik Mainz
Classification: Likely pathogenic for Farber lipogranulomatosis. Last evaluated: 2022-12-23. Review status: criteria provided, single submitter. Criteria: UK Practice Guidelines For Variant Classification V4 01 2020. Collection method: clinical testing. Allele origin: germline. Inheritance: Autosomal recessive inheritance. Affected: yes. Observed: 2 variant alleles.
Comment: ACMG Criteria: PVS1,PM2_SUP

NM_177924.5(ASAH1):c.375_379del (p.Pro126fs)

Gene: ASAH1 (N-acylsphingosine amidohydrolase 1; minus strand). Cytogenetic location: 8p22.
Variant type: Deletion.
Coding change: c.375_379del on transcript NM_177924.5 (MANE Select); coding-DNA positions 375 to 379, 5 bases deleted (ACCTT; older notation c.375_379delACCTT).
Protein change: p.Pro126fs; shifts the reading frame from proline 126.
Molecular consequence: frameshift variant.
Genome position (GRCh38, 1-based): chr8:18,067,223-18,067,227, AAGGT deleted on the plus strand (ACCTT on the coding strand, the reverse complement: ASAH1 is on the minus strand); deleting any 5 consecutive bases within chr8:18,067,223-18,067,228 gives the same sequence; the c. name uses the placement nearest the transcript's 3' end. VCF-style (leftmost placement, unchanged base first): chr8-18067222-AAAGGT-A. GRCh37 (hg19) VCF-style: chr8-17924731-AAAGGT-A.
Other names: c.357_361del, p.Pro120fs (NM_001127505.3); c.180_184del, p.Pro61fs (NM_001363743.2); c.423_427del, p.Pro142fs (NM_004315.6); short protein forms P120fs, P126fs, P142fs, P61fs.
Identifiers: ClinVar variation 3234094 (VCV003234094.1), dbSNP rs2537947781, ClinGen allele CA2825001585.